The following is an entry in ClinVar:

ClinVar aggregate classification (germline): Likely pathogenic (1 of 4 stars; one submission).

Conditions:
Glycine encephalopathy. Also called: Non-ketotic hyperglycinemia; Nonketotic hyperglycinemia. Identifiers: Orphanet 407, MedGen C0751748, MONDO:0011612, HP:0008288.

Submission:

Labcorp Genetics (formerly Invitae), Labcorp
Classification: Likely pathogenic for Glycine encephalopathy. Last evaluated: 2017-10-18. Review status: criteria provided, single submitter. Criteria: Invitae Variant Classification Sherloc (09022015). Collection method: clinical testing. Allele origin: germline.
Comment: This sequence change affects a donor splice site in intron 15 of the GLDC gene. It is expected to disrupt RNA splicing and likely results in an absent or disrupted protein product. This variant is not present in population databases (ExAC no frequency). This variant has not been reported in the literature in individuals with GLDC-related disease. Algorithms developed to predict the effect of sequence changes on RNA splicing suggest that this variant may disrupt the consensus splice site, but this prediction has not been confirmed by published transcriptional studies. Donor and acceptor splice site variants typically lead to a loss of protein function (PMID: 16199547), and loss-of-function variants in GLDC are known to be pathogenic (PMID: 16601880). In summary, the currently available evidence indicates that the variant is pathogenic, but additional data are needed to prove that conclusively. Therefore, this variant has been classified as Likely Pathogenic.

Literature cited by the submitters: PubMed 16199547; PubMed 16601880.

NM_000170.3(GLDC):c.1850+1del

Gene: GLDC (glycine decarboxylase; minus strand). Cytogenetic location: 9p24.1.
Variant type: Deletion.
Coding change: c.1850+1del on transcript NM_000170.3 (MANE Select); the canonical splice donor site of the intron after coding-DNA position 1850, one base deleted (G; older notation c.1850+1delG).
Molecular consequence: splice donor variant.
Genome position (GRCh38, 1-based): chr9:6,587,140, C deleted on the plus strand (G on the coding strand, the reverse complement: GLDC is on the minus strand); the first of 2 consecutive C bases (chr9:6,587,140-6,587,141); deleting either gives the same sequence. VCF-style (leftmost placement, unchanged base first): chr9-6587139-AC-A. GRCh37 (hg19) VCF-style: chr9-6587139-AC-A.
Other names: c.1850+1delG (NM_000170.2).
Identifiers: ClinVar variation 531765 (VCV000531765.2), dbSNP rs1399754800, ClinGen allele CA658797189.